The following is an entry in ClinVar:

NM_001127511.3(APC):c.67G>C (p.Gly23Arg)

Gene: APC (APC regulator of Wnt signaling pathway; plus strand). Cytogenetic location: 5q22.2.
Variant type: single nucleotide variant.
Coding change: c.67G>C on transcript NM_001127511.3; coding-DNA position 67, G replaced by C.
Protein change: p.Gly23Arg; replaces glycine 23 with arginine.
Molecular consequence: missense variant. On other transcripts: 5 prime UTR variant (8), non-coding transcript variant (1), intron variant (5).
Genome position (GRCh38, 1-based): chr5:112,707,784, G>C. VCF-style: chr5-112707784-G-C. GRCh37 (hg19) VCF-style: chr5-112043481-G-C.
Other names: c.-117G>C (NM_001354895.2, NM_001407447.1, NM_001407452.1 and 3 more transcripts); c.67G>C, p.Gly23Arg (NM_001354897.2, NM_001354902.2, NM_001407446.1); c.-1152G>C (NM_001407470.1, NM_001407472.1); c.-19+135G>C (NM_001407448.1, NM_001407450.1, NM_001407457.1 and 1 more transcripts); c.-43+135G>C (NM_001407453.1); short protein forms G23R.
Identifiers: ClinVar variation 1371388 (VCV001371388.6), dbSNP rs762748481, ClinGen allele CA360611835.
Genomic context (GRCh38, chr5:112,707,784, plus strand): 5'-GCCTCCCTGGGCTCGGGTCCGGTCGCCCCTTTGCCCGCTTCTGTACCACCCTCAGTTCTC[G>C]GGTCCTGGAGCACCGGCGGCAGCAGGAGCTGCGTCCGGCAGGAGACGAAGAGCCCGGGCG-3'

ClinVar aggregate classification (germline): Uncertain significance (1 of 4 stars; one submission).

Conditions:
Familial adenomatous polyposis 1 (FAP1). Also called: FAMILIAL ADENOMATOUS POLYPOSIS 1, ATTENUATED; POLYPOSIS, ADENOMATOUS INTESTINAL. Identifiers: MedGen C2713442, MONDO:0021056, OMIM 175100. Disease mechanism: loss of function.

Submission:

Labcorp Genetics (formerly Invitae), Labcorp
Classification: Uncertain significance for Familial adenomatous polyposis 1. Last evaluated: 2023-07-25. Review status: criteria provided, single submitter. Criteria: Invitae Variant Classification Sherloc (09022015). Collection method: clinical testing. Allele origin: germline.
Comment: In summary, the available evidence is currently insufficient to determine the role of this variant in disease. Therefore, it has been classified as a Variant of Uncertain Significance. Experimental studies and prediction algorithms are not available or were not evaluated, and the functional significance of this variant is currently unknown. This variant has not been reported in the literature in individuals affected with APC-related conditions. This variant is not present in population databases (gnomAD no frequency). This variant occurs in a non-coding region of the APC gene. It does not change the encoded amino acid sequence of the APC protein.